The following is an entry in ClinVar:

ClinVar aggregate classification (germline): Likely benign. Review status: criteria provided, multiple submitters, no conflicts (2 of 4 stars). 3 submissions from 3 submitters: Likely benign (3). Last evaluated 2024-02-24.

Conditions:
Bethlem myopathy 1A. Also called: Bethlem myopathy 1; MYOPATHY, BENIGN CONGENITAL, WITH CONTRACTURES; Bethlem Muscular Dystrophy. Identifiers: Orphanet 610, MedGen CN029274, MONDO:0024530, OMIM 158810.

Allele frequency attached by ClinVar (database versions not stated): gnomAD below 0.00001 and 0.00001; gnomAD exomes 0.00001; TOPMed 0.00002.
gnomAD v4.1: 16 of 1,608,926 alleles (0.00099%); highest among the groups gnomAD compares: East Asian, 0.0045%; no homozygotes.

Submissions (3):

Labcorp Genetics (formerly Invitae), Labcorp
Classification: Likely benign for Bethlem myopathy 1A. Last evaluated: 2024-02-24. Review status: criteria provided, single submitter. Criteria: Invitae Variant Classification Sherloc (09022015). Collection method: clinical testing. Allele origin: germline.

CeGaT Center for Human Genetics Tuebingen
Classification: Likely benign. Last evaluated: 2022-05-01. Review status: criteria provided, single submitter. Criteria: CeGaT Center For Human Genetics Tuebingen Variant Classification Criteria Version 2. Collection method: clinical testing. Allele origin: germline. Affected: yes. Observed: 1 variant allele.
Comment: COL6A1: BP4, BP7

PreventionGenetics, part of Exact Sciences
Classification: Likely benign. Review status: criteria provided, single submitter. Criteria: ACMG Guidelines, 2015. Collection method: clinical testing. Allele origin: germline.

NM_001848.3(COL6A1):c.2874C>T (p.Ala958=)

Gene: COL6A1 (collagen type VI alpha 1 chain; plus strand). Cytogenetic location: 21q22.3.
Variant type: single nucleotide variant.
Coding change: c.2874C>T on transcript NM_001848.3 (MANE Select); coding-DNA position 2874, C replaced by T.
Protein change: p.Ala958=; no amino-acid change (alanine 958 retained).
Molecular consequence: synonymous variant.
Genome position (GRCh38, 1-based): chr21:46,003,800, C>T. VCF-style: chr21-46003800-C-T. GRCh37 (hg19) VCF-style: chr21-47423714-C-T.
Identifiers: ClinVar variation 258300 (VCV000258300.36), dbSNP rs769441014, ClinGen allele CA10587366.